The following is an entry in ClinVar:

NM_000051.4(ATM):c.901+1G>A

Gene: ATM (ATM serine/threonine kinase; plus strand). Cytogenetic location: 11q22.3.
Variant type: single nucleotide variant.
Coding change: c.901+1G>A on transcript NM_000051.4 (MANE Select); the canonical splice donor site of the intron after coding-DNA position 901, G replaced by A.
Molecular consequence: splice donor variant.
Genome position (GRCh38, 1-based): chr11:108,245,027, G>A. VCF-style: chr11-108245027-G-A. GRCh37 (hg19) VCF-style: chr11-108115754-G-A.
Other names: c.901+1G>A (NM_001351834.2).
Identifiers: ClinVar variation 186761 (VCV000186761.32), dbSNP rs748840480, ClinGen allele CA195792.

ClinVar aggregate classification (germline): Pathogenic/Likely pathogenic. Review status: criteria provided, multiple submitters, no conflicts (2 of 4 stars). 13 submissions from 13 submitters: Pathogenic (11); Likely pathogenic (1). 1 of the submissions does not count toward it. Last evaluated 2026-01-25.

Conditions:
ATM-related cancer predisposition. Also called: ATM-related cancer susceptibility. Identifiers: MedGen CN377759, MONDO:0700270.
Familial cancer of breast. Also called: hereditary breast carcinoma; Hereditary breast cancer; BREAST CANCER, FAMILIAL. Identifiers: Orphanet 227535, MedGen C0346153, MONDO:0016419, OMIM 114480. Disease mechanism: loss of function.
Ataxia-telangiectasia syndrome (AT). Also called: Cerebello-oculocutaneous telangiectasia; Immunodeficiency with ataxia telangiectasia; Ataxia-telangiectasia, complementation group D; AT, COMPLEMENTATION GROUP C; ATAXIA-TELANGIECTASIA, COMPLEMENTATION GROUP A; ATAXIA-TELANGIECTASIA, FRESNO VARIANT. Identifiers: Orphanet 100, MedGen C0004135, MONDO:0008840, OMIM 208900.
Hereditary cancer-predisposing syndrome. Also called: Hereditary Cancer Syndrome; Tumor predisposition; Hereditary neoplastic syndrome; Neoplastic Syndromes, Hereditary. Identifiers: Orphanet 140162, MedGen C0027672, MeSH D009386, MONDO:0015356.

Allele frequency attached by ClinVar (database versions not stated): gnomAD exomes 0.00002; ExAC 0.00003.
gnomAD v4.1: 5 of 1,597,122 alleles (0.00031%); highest among the groups gnomAD compares: Admixed American, 0.0067%; no homozygotes.

Submissions (14):

Labcorp Genetics (formerly Invitae), Labcorp
Classification: Pathogenic for Ataxia-telangiectasia syndrome. Last evaluated: 2026-01-25. Review status: criteria provided, single submitter. Criteria: Invitae Variant Classification Sherloc (09022015). Collection method: clinical testing. Allele origin: germline.
Comment: This sequence change affects a donor splice site in intron 7 of the ATM gene. RNA analysis indicates that disruption of this splice site induces altered splicing and may result in an absent or altered protein product. This variant is present in population databases (rs748840480, gnomAD 0.01%). Disruption of this splice site has been observed in individuals with ATM-related conditions (PMID: 8321536, 12815592, 21665257, 28281021, 31206626). ClinVar contains an entry for this variant (Variation ID: 186761). Studies have shown that disruption of this splice site results in skipping of exon 7, and produces a non-functional protein and/or introduces a premature termination codon (internal data). For these reasons, this variant has been classified as Pathogenic.

Natera, Inc.
Classification: Pathogenic for Ataxia-telangiectasia. Last evaluated: 2025-08-15. Review status: criteria provided, single submitter. Criteria: Natera Variant Classification Schema (03/2026). Collection method: clinical testing. Allele origin: germline.
Comment: The c.901+1G>A variant in ATM is a canonical splice donor site variant predicted to affect pre-mRNA splicing, which may result in an abnormal transcript and altered protein product. This variant is expected to result in nonsense mediated decay, truncation, or a dysfunctional protein product. This variant is rare in the general population with a frequency below the threshold expected for the associated phenotype(s). This variant has been observed in one or more individuals affected with the associated recessive disease, as either homozygous or compound heterozygous with a second variant (PMID: 12815592). Given the available evidence, this variant is classified as Pathogenic.

Hema, HEMA – Genetic and Molecular Diagnostic Laboratory
Classification: Pathogenic for ATM-related cancer predisposition. Last evaluated: 2025-03-14. Review status: criteria provided, single submitter. Criteria: HEMA Variant Classification Assertion Criteria. Collection method: clinical testing. Allele origin: germline.
Comment: It is a transition from guanine to adenine that affects the donor site of splicing of intron 7 of the ATM gene. PVS1: Variant at the donor site of splicing (+1) of intron 7 of ATM. It is predicted to result in exon skipping of the biologically relevant exon 7/63, leading to a frameshift, the introduction of a premature stop codon, and nonsense-mediated decay (NMD) of the transcript in a gene for which loss of function is a disease mechanism. PM3_Strong: The variant has been reported in three individuals with ataxia telangiectasia, including a compound heterozygote, a presumed compound heterozygote (without phase determination), and an individual in whom no second variant was detected (PMID: 12815592, 18321536, 21665257).

3billion
Classification: Pathogenic for Familial cancer of breast. Last evaluated: 2024-10-10. Review status: criteria provided, single submitter. Criteria: ACMG Guidelines, 2015. Collection method: clinical testing. Allele origin: germline. Affected: yes.
Comment: The variant is observed at an extremely low frequency in the gnomAD v4.1.0 dataset (total allele frequency: <0.001%). Predicted Consequence/Location: Canonical splice site: predicted to alter splicing and result in a loss or disruption of normal protein function. Multiple pathogenic loss-of-function variants are reported downstream of the variant. In silico tools predict the variant to alter splicing and produce an abnormal transcript [SpliceAI: 0.99 (spliceogenicity >=0.2, non-spliceogenicity <0.1)]. The variant has been reported at least twice as pathogenic with clinical assertions and evidence for the classification (ClinVar ID: VCV000186761 /PMID: 12815592 /3billion dataset). Therefore, this variant is classified as Risk-allele according to the recommendation of ACMG/AMP guideline.

Baylor Genetics
Classification: Pathogenic for Familial cancer of breast. Last evaluated: 2024-03-14. Review status: criteria provided, single submitter. Criteria: ACMG Guidelines, 2015. Collection method: clinical testing. Allele origin: unknown.

Myriad Genetics, Inc.
Classification: Likely pathogenic for Familial cancer of breast. Last evaluated: 2024-01-11. Review status: criteria provided, single submitter. Criteria: Myriad Autosomal Dominant, Autosomal Recessive and X-Linked Classification Criteria (2023). Collection method: clinical testing. Allele origin: unknown.
Comment: This variant is considered likely pathogenic. This variant occurs within a consensus splice junction and is predicted to result in abnormal mRNA splicing of either an out-of-frame exon or an in-frame exon necessary for protein stability and/or normal function.

Ambry Genetics
Classification: Pathogenic for Hereditary cancer-predisposing syndrome. Last evaluated: 2023-08-04. Review status: criteria provided, single submitter. Criteria: Ambry Variant Classification Scheme 2023. Collection method: clinical testing. Allele origin: germline.
Comment: The c.901+1G>A intronic pathogenic mutation results from a G to A substitution one nucleotide after coding exon 6 of the ATM gene. This alteration was identified in conjunction with a truncating ATM mutation in an individual diagnosed with ataxia-telangiectasia (Mitui M et al. Hum. Mutat. 2003 Jul;22(1):43-50). This alteration is also known as IVS9+1G>A in published literature. In silico splice site analysis predicts that this alteration will weaken the native splice donor site. RNA studies have demonstrated that this alteration results in abnormal splicing in the set of samples tested (Ambry internal data). Alterations that disrupt the canonical splice site are expected to cause aberrant splicing, resulting in an abnormal protein or a transcript that is subject to nonsense-mediated mRNA decay. As such, this alteration is classified as a disease-causing mutation.

Color Diagnostics, LLC DBA Color Health
Classification: Pathogenic for Hereditary cancer-predisposing syndrome. Last evaluated: 2022-12-13. Review status: criteria provided, single submitter. Criteria: ACMG Guidelines, 2015. Collection method: clinical testing. Allele origin: germline.
Comment: This variant causes a G to A nucleotide substitution at the +1 position of intron 7 of the ATM gene. This variant is also known as IVS9+1G>A in the literature. Functional studies using patient-derived lymphoblastoid cells showed skipping of exon 7 and premature protein termination (PMID: 18321536). This variant has been reported in individuals affected with ataxia-telangiectasia (PMID: 12815592, 18321536). This variant has been identified in 5/276176 chromosomes in the general population by the Genome Aggregation Database (gnomAD). Loss of ATM function is a known mechanism of disease. Based on the available evidence, this variant is classified as Pathogenic.

Revvity Omics, Revvity
Classification: Pathogenic for Ataxia-telangiectasia syndrome. Last evaluated: 2022-05-31. Review status: criteria provided, single submitter. Criteria: ACMG Guidelines, 2015. Collection method: clinical testing. Allele origin: germline.

Sema4
Classification: Pathogenic for Hereditary cancer-predisposing syndrome. Last evaluated: 2021-11-24. Review status: criteria provided, single submitter. Criteria: Sema4 Curation Guidelines. Collection method: curation. Allele origin: germline.
Comment: The ATM c.901+1G>A variant has been reported as compound heterozygous in at least two individuals with ataxia-telangiectasia (PMID: 12815592, 21665257). This variant has also been observed in heterozygosity in at least three individuals with ovarian or breast cancer (PMID: 29625052, 31206626, 28281021). It is also known as IVS9+1G>A in the literature. This variant affects a nucleotide within a consensus splice site of an intron. This variant may cause exon skipping, intron retention or use of a cryptic splice site. Loss of function variants in ATM are known to be pathogenic (PMID: 31050087). It was observed in 4/35244 chromosomes of the Latino subpopulation in the large and broad cohorts of the Genome Aggregation Database (PMID: 32461654). This variant has been reported in ClinVar (Variation ID: 186761). Based on the current evidence available, this variant is interpreted as pathogenic.

Women's Health and Genetics/Laboratory Corporation of America, LabCorp
Classification: Pathogenic for Ataxia-telangiectasia syndrome. Last evaluated: 2018-12-07. Review status: criteria provided, single submitter. Criteria: LabCorp Variant Classification Summary - May 2015. Collection method: clinical testing. Allele origin: germline.
Comment: Variant summary: ATM c.901+1G>A is located in a canonical splice-site and is predicted to affect mRNA splicing resulting in a significantly altered protein due to either exon skipping, shortening, or inclusion of intronic material. Several computational tools predict a significant impact on normal splicing: Five predict the variant abolishes a 5 splicing donor site. However, these predictions have yet to be confirmed by functional studies. The variant allele was found at a frequency of 1.8e-05 in 271632 control chromosomes (gnomAD). The variant, c.901+1G>A, has been reported in the literature in individuals affected with Ataxia-Telangiectasia (Mitui_2003, Micol_2011, Du_2008) and one ovarian cancer (Crawford_2017) where it was found together with the pathogenic variant PALB2 c.2167_2168delAT (p.Met723fsX21). These data indicate that the variant may be associated with disease. To our knowledge, no experimental evidence demonstrating an impact on protein function has been reported. Four clinical diagnostic laboratories have submitted clinical-significance assessments for this variant to ClinVar after 2014 without evidence for independent evaluation. All laboratories classified the variant as pathogenic. Based on the evidence outlined above, the variant was classified as pathogenic.

Fulgent Genetics
Classification: Pathogenic for Familial cancer of breast; Ataxia-telangiectasia syndrome. Last evaluated: 2017-05-18. Review status: criteria provided, single submitter. Criteria: ACMG Guidelines, 2015. Collection method: clinical testing. Allele origin: unknown.

Counsyl
Classification: Pathogenic for Ataxia-telangiectasia syndrome. Last evaluated: 2018-05-10. Review status: no assertion criteria provided. Collection method: clinical testing. Allele origin: unknown. Not counted in ClinVar's aggregate classification.

Dr. Peter K. Rogan Lab, Western University
No classification provided (evidence only). Condition: Ovarian serous cystadenocarcinoma. Review status: no classification provided. Collection method: in vitro. Allele origin: not applicable. Functional consequence: retained intron. Not counted in ClinVar's aggregate classification.

Literature cited by the submitters: PubMed 8321536 (cited by Labcorp Genetics (formerly Invitae), Labcorp); PubMed 12815592 (cited by 9 submitters); PubMed 21665257 (cited by 5 submitters); PubMed 28281021 (cited by 4 submitters); PubMed 31206626 (cited by Labcorp Genetics (formerly Invitae), Labcorp and Sema4); PubMed 18321536 (cited by 5 submitters); PubMed 28008555 (cited by Ambry Genetics and Color Diagnostics, LLC DBA Color Health); PubMed 29625052 (cited by Sema4); PubMed 31050087 (cited by Sema4); PubMed 29922827 (cited by Women's Health and Genetics/Laboratory Corporation of America, LabCorp).